The following is an entry in ClinVar:

ClinVar aggregate classification (germline): Pathogenic/Likely pathogenic. Review status: criteria provided, multiple submitters, no conflicts (2 of 4 stars). 3 submissions from 3 submitters: Pathogenic (1); Likely pathogenic (1). 1 of the submissions does not count toward it. Last evaluated 2023-06-19.

Conditions:
Familial isolated deficiency of vitamin E (AVED). Also called: Ataxia with isolated vitamin E deficiency; ATAXIA, FRIEDREICH-LIKE, WITH SELECTIVE VITAMIN E DEFICIENCY. Identifiers: Orphanet 96, MedGen C1848533, MONDO:0010188, OMIM 277460.

Allele frequency attached by ClinVar (database versions not stated): gnomAD exomes below 0.00001.

Submissions (3):

Baylor Genetics
Classification: Likely pathogenic for Familial isolated deficiency of vitamin E. Last evaluated: 2023-06-19. Review status: criteria provided, single submitter. Criteria: ACMG Guidelines, 2015. Collection method: clinical testing. Allele origin: unknown.

Labcorp Genetics (formerly Invitae), Labcorp
Classification: Pathogenic. Last evaluated: 2021-04-30. Review status: criteria provided, single submitter. Criteria: Invitae Variant Classification Sherloc (09022015). Collection method: clinical testing. Allele origin: germline.
Comment: For these reasons, this variant has been classified as Pathogenic. This variant has not been reported in the literature in individuals with TTPA-related conditions. ClinVar contains an entry for this variant (Variation ID: 370311). The frequency data for this variant in the population databases is considered unreliable, as metrics indicate insufficient coverage at this position in the ExAC database. This sequence change creates a premature translational stop signal (p.Arg5*) in the TTPA gene. It is expected to result in an absent or disrupted protein product. Loss-of-function variants in TTPA are known to be pathogenic (PMID: 9463307, 26068213).

Counsyl
Classification: Likely pathogenic for Familial isolated deficiency of vitamin E. Last evaluated: 2016-01-08. Review status: no assertion criteria provided. Collection method: clinical testing. Allele origin: unknown. Not counted in ClinVar's aggregate classification.

Literature cited by the submitters: PubMed 9463307 (cited by Labcorp Genetics (formerly Invitae), Labcorp); PubMed 26068213 (cited by Labcorp Genetics (formerly Invitae), Labcorp).

NM_000370.3(TTPA):c.13C>T (p.Arg5Ter)

Gene: TTPA (alpha tocopherol transfer protein; minus strand). Cytogenetic location: 8q12.3.
Variant type: single nucleotide variant.
Coding change: c.13C>T on transcript NM_000370.3 (MANE Select); coding-DNA position 13, C replaced by T.
Protein change: p.Arg5Ter; replaces arginine 5 with a stop codon.
Molecular consequence: nonsense.
Genome position (GRCh38, 1-based): chr8:63,086,009, G>A on the plus strand (C>T on the coding strand, the complement: TTPA is on the minus strand). VCF-style: chr8-63086009-G-A. GRCh37 (hg19) VCF-style: chr8-63998568-G-A.
Other names: short protein forms R5*.
Identifiers: ClinVar variation 370311 (VCV000370311.10), dbSNP rs1008240677, ClinGen allele CA16041184.